The following is an entry in ClinVar:

NM_001374736.1(DST):c.19012+10T>C

Gene: DST (dystonin; minus strand). Cytogenetic location: 6p12.1.
Variant type: single nucleotide variant.
Coding change: c.19012+10T>C on transcript NM_001374736.1 (MANE Select); 10 bases into the intron after coding-DNA position 19012, T replaced by C.
Molecular consequence: intron variant.
Genome position (GRCh38, 1-based): chr6:56,509,632, A>G on the plus strand (T>C on the coding strand, the complement: DST is on the minus strand). VCF-style: chr6-56509632-A-G. GRCh37 (hg19) VCF-style: chr6-56374430-A-G.
Other names: c.12655+10T>C (NM_001144769.5); c.19012+10T>C (NM_001374722.1); c.19039+10T>C (NM_001374734.1); c.12241+10T>C (NM_001144770.2); c.11794+10T>C (NM_001374730.1); c.12121+10T>C (NM_001386100.1, NM_183380.4); c.18052+10T>C (NM_001374729.1); c.11143+10T>C (NM_015548.5).
Identifiers: ClinVar variation 2930091 (VCV002930091.3), dbSNP rs2534335786, ClinGen allele CA2679218936.

ClinVar aggregate classification (germline): Uncertain significance (1 of 4 stars; one submission).

Conditions:
Hereditary sensory and autonomic neuropathy type 6. Also called: HSAN VI; Neuropathy, hereditary sensory and autonomic, type VI. Identifiers: Orphanet 314381, MedGen C3539003, MONDO:0013839, OMIM 614653.
Epidermolysis bullosa simplex 3, localized or generalized intermediate, with BP230 deficiency (EBS3). Also called: Epidermolysis bullosa simplex, autosomal recessive 2; Epidermolysis bullosa simplex due to BP230 deficiency. Identifiers: Orphanet 412181, MedGen C3809470, MONDO:0014180, OMIM 615425.

Allele frequency attached by ClinVar (database versions not stated): gnomAD exomes below 0.00001.
gnomAD v4.1: 4 of 1,602,076 alleles (0.00025%); highest among the groups gnomAD compares: Non-Finnish European, 0.00034%; no homozygotes.

Submission:

Labcorp Genetics (formerly Invitae), Labcorp
Classification: Uncertain significance for Epidermolysis bullosa simplex 3, localized or generalized intermediate, with BP230 deficiency; Hereditary sensory and autonomic neuropathy type 6. Last evaluated: 2024-04-10. Review status: criteria provided, single submitter. Criteria: Invitae Variant Classification Sherloc (09022015). Collection method: clinical testing. Allele origin: germline.
Comment: The DST gene has multiple clinically relevant transcripts. This variant occurs in alternate transcript NM_015548.4, and corresponds to NM_001723.5:c.*105885T>C in the primary transcript. This sequence change falls in intron 55 of the DST gene. It does not directly change the encoded amino acid sequence of the DST protein. This variant is not present in population databases (gnomAD no frequency). This variant has not been reported in the literature in individuals affected with DST-related conditions. Experimental studies and prediction algorithms are not available or were not evaluated, and the effect of this variant on mRNA splicing is currently unknown. In summary, the available evidence is currently insufficient to determine the role of this variant in disease. Therefore, it has been classified as a Variant of Uncertain Significance.